The following is an entry in ClinVar:

ClinVar aggregate classification (germline): Uncertain significance (1 of 4 stars; one submission).

Allele frequency attached by ClinVar (database versions not stated): gnomAD exomes below 0.00001.
gnomAD v4.1: 1 of 1,613,980 alleles (0.000062%); highest among the groups gnomAD compares: Admixed American, 0.0017%; no homozygotes.

Submission:

GeneDx
Classification: Uncertain significance. Last evaluated: 2019-11-27. Review status: criteria provided, single submitter. Criteria: GeneDx Variant Classification Process June 2021. Collection method: clinical testing. Allele origin: germline. Affected: yes.
Comment: Has not been previously published as pathogenic or benign to our knowledge; Not observed in large population cohorts (Lek et al., 2016); In silico analysis, which includes protein predictors and evolutionary conservation, supports a deleterious effect

NM_001042545.2(LTBP4):c.1187C>T (p.Pro396Leu)

Gene: LTBP4 (latent transforming growth factor beta binding protein 4; plus strand). Cytogenetic location: 19q13.2.
Variant type: single nucleotide variant.
Coding change: c.1187C>T on transcript NM_001042545.2 (MANE Select); coding-DNA position 1187, C replaced by T.
Protein change: p.Pro396Leu; replaces proline 396 with leucine.
Molecular consequence: missense variant.
Genome position (GRCh38, 1-based): chr19:40,608,250, C>T. VCF-style: chr19-40608250-C-T. GRCh37 (hg19) VCF-style: chr19-41114156-C-T.
Other names: c.1388C>T, p.Pro463Leu (NM_001042544.1); c.1277C>T, p.Pro426Leu (NM_003573.2); short protein forms P396L, P426L, P463L.
Identifiers: ClinVar variation 1310652 (VCV001310652.2), dbSNP rs2146024817, ClinGen allele CA405935989.